The following is an entry in ClinVar:

ClinVar aggregate classification (germline): Uncertain significance. Review status: criteria provided, multiple submitters, no conflicts (2 of 4 stars). 2 submissions from 2 submitters: Uncertain significance (2). Last evaluated 2025-02-16.

Conditions:
Hereditary cancer-predisposing syndrome. Also called: Neoplastic Syndromes, Hereditary; Hereditary Cancer Syndrome; Tumor predisposition; Hereditary neoplastic syndrome. Identifiers: Orphanet 140162, MedGen C0027672, MeSH D009386, MONDO:0015356.
Gorlin syndrome. Also called: Basal cell nevus syndrome; Nevoid Basal Cell Carcinoma Syndrome. Identifiers: Orphanet 377, MedGen C0004779, MONDO:0007187.

Submissions (2):

Ambry Genetics
Classification: Uncertain significance for Hereditary cancer-predisposing syndrome. Last evaluated: 2025-02-16. Review status: criteria provided, single submitter. Criteria: Ambry Variant Classification Scheme 2023. Collection method: clinical testing. Allele origin: germline.
Comment: The p.H1121L variant (also known as c.3362A>T), located in coding exon 20 of the PTCH1 gene, results from an A to T substitution at nucleotide position 3362. The histidine at codon 1121 is replaced by leucine, an amino acid with similar properties. This amino acid position is conserved. In addition, this alteration is predicted to be deleterious by in silico analysis. Based on the available evidence, the clinical significance of this variant remains unclear.

Labcorp Genetics (formerly Invitae), Labcorp
Classification: Uncertain significance for Gorlin syndrome. Last evaluated: 2024-01-19. Review status: criteria provided, single submitter. Criteria: Invitae Variant Classification Sherloc (09022015). Collection method: clinical testing. Allele origin: germline.
Comment: This sequence change replaces histidine, which is basic and polar, with leucine, which is neutral and non-polar, at codon 1121 of the PTCH1 protein (p.His1121Leu). This variant is not present in population databases (gnomAD no frequency). This variant has not been reported in the literature in individuals affected with PTCH1-related conditions. ClinVar contains an entry for this variant (Variation ID: 1036629). Advanced modeling of protein sequence and biophysical properties (such as structural, functional, and spatial information, amino acid conservation, physicochemical variation, residue mobility, and thermodynamic stability) performed at Invitae indicates that this missense variant is not expected to disrupt PTCH1 protein function with a negative predictive value of 95%. In summary, the available evidence is currently insufficient to determine the role of this variant in disease. Therefore, it has been classified as a Variant of Uncertain Significance.

NM_000264.5(PTCH1):c.3362A>T (p.His1121Leu)

Gene: PTCH1 (patched 1; minus strand). Cytogenetic location: 9q22.32.
Variant type: single nucleotide variant.
Coding change: c.3362A>T on transcript NM_000264.5 (MANE Select); coding-DNA position 3362, A replaced by T.
Protein change: p.His1121Leu; replaces histidine 1121 with leucine.
Molecular consequence: missense variant. On other transcripts: non-coding transcript variant (1).
Genome position (GRCh38, 1-based): chr9:95,453,565, T>A on the plus strand (A>T on the coding strand, the complement: PTCH1 is on the minus strand). VCF-style: chr9-95453565-T-A. GRCh37 (hg19) VCF-style: chr9-98215847-T-A.
Other names: c.3164A>T, p.His1055Leu (NM_001083602.3); c.3359A>T, p.His1120Leu (NM_001083603.3); c.2909A>T, p.His970Leu (NM_001083604.3, NM_001083605.3, NM_001083606.3 and 1 more transcripts); c.3206A>T, p.His1069Leu (NM_001354918.2); c.3362A>T (NM_000264.3); short protein forms H1121L, H1055L, H1069L, H970L, H1120L.
Identifiers: ClinVar variation 1036629 (VCV001036629.10), dbSNP rs1838661805, ClinGen allele CA374111824.